The following is an entry in ClinVar:

ClinVar aggregate classification (germline): Uncertain significance (1 of 4 stars; one submission).

Submission:

GeneDx
Classification: Uncertain significance. Last evaluated: 2019-12-15. Review status: criteria provided, single submitter. Criteria: GeneDx Variant Classification Process June 2021. Collection method: clinical testing. Allele origin: germline. Affected: yes.
Comment: In silico analysis, which includes protein predictors and evolutionary conservation, supports a deleterious effect; Not observed in large population cohorts (Lek et al., 2016); Has not been previously published as pathogenic or benign to our knowledge

NM_130837.3(OPA1):c.305A>C (p.Tyr102Ser)

Gene: OPA1 (OPA1 mitochondrial dynamin like GTPase; plus strand). Cytogenetic location: 3q29.
Variant type: single nucleotide variant.
Coding change: c.305A>C on transcript NM_130837.3 (MANE Select); coding-DNA position 305, A replaced by C.
Protein change: p.Tyr102Ser; replaces tyrosine 102 with serine.
Molecular consequence: missense variant. On other transcripts: 5 prime UTR variant (2).
Genome position (GRCh38, 1-based): chr3:193,614,995, A>C. VCF-style: chr3-193614995-A-C. GRCh37 (hg19) VCF-style: chr3-193332784-A-C.
Other names: c.-68A>C (NM_001354663.2, NM_001354664.2); c.305A>C, p.Tyr102Ser (NM_015560.3, NM_130831.3, NM_130832.3 and 4 more transcripts); short protein forms Y102S.
Identifiers: ClinVar variation 1317143 (VCV001317143.2), dbSNP rs530896300, ClinGen allele CA355786927.
Genomic context (GRCh38, chr3:193,614,995, plus strand): 5'-ACCAGCCTCGCAGGAATTTTTGGCCAGCAAGATTAGCTACGAGACTCTTAAAACTTCGCT[A>C]TCTCATACTAGGATCGGCTGTTGGGGGTGGCTACACAGCCAAAAAGGTGAACTTGACATT-3'
Protein context (NP_570850.2, residues 92-112): RLATRLLKLR[Tyr102Ser]LILGSAVGGG